The following is an entry in ClinVar:

NM_001008537.3(NEXMIF):c.3649C>T (p.Arg1217Cys)

Gene: NEXMIF (neurite extension and migration factor; minus strand). Cytogenetic location: Xq13.3.
Variant type: single nucleotide variant.
Coding change: c.3649C>T on transcript NM_001008537.3 (MANE Select); coding-DNA position 3649, C replaced by T.
Protein change: p.Arg1217Cys; replaces arginine 1217 with cysteine.
Molecular consequence: missense variant.
Genome position (GRCh38, 1-based): chrX:74,740,908, G>A on the plus strand (C>T on the coding strand, the complement: NEXMIF is on the minus strand). VCF-style: chrX-74740908-G-A. GRCh37 (hg19) VCF-style: chrX-73960743-G-A.
Other names: short protein forms R1217C.
Identifiers: ClinVar variation 1918907 (VCV001918907.5), dbSNP rs978091249, ClinGen allele CA331301713.

ClinVar aggregate classification (germline): Uncertain significance (1 of 4 stars; one submission).

Allele frequency attached by ClinVar (database versions not stated): TOPMed 0.00001; gnomAD 0.00003.

Submission:

Labcorp Genetics (formerly Invitae), Labcorp
Classification: Uncertain significance. Last evaluated: 2024-10-25. Review status: criteria provided, single submitter. Criteria: Invitae Variant Classification Sherloc (09022015). Collection method: clinical testing. Allele origin: germline.
Comment: This sequence change replaces arginine, which is basic and polar, with cysteine, which is neutral and slightly polar, at codon 1217 of the NEXMIF protein (p.Arg1217Cys). This variant is present in population databases (no rsID available, gnomAD 0.003%), including at least one homozygous and/or hemizygous individual. This variant has not been reported in the literature in individuals affected with NEXMIF-related conditions. ClinVar contains an entry for this variant (Variation ID: 1918907). An algorithm developed to predict the effect of missense changes on protein structure and function (PolyPhen-2) suggests that this variant is likely to be disruptive. In summary, the available evidence is currently insufficient to determine the role of this variant in disease. Therefore, it has been classified as a Variant of Uncertain Significance.